The following is an entry in ClinVar:

NM_001142800.2(EYS):c.2390G>A (p.Cys797Tyr)

Gene: EYS (EGF-like photoreceptor maintenance factor; minus strand). Cytogenetic location: 6q12.
Variant type: single nucleotide variant.
Coding change: c.2390G>A on transcript NM_001142800.2 (MANE Select); coding-DNA position 2390, G replaced by A.
Protein change: p.Cys797Tyr; replaces cysteine 797 with tyrosine.
Molecular consequence: missense variant.
Genome position (GRCh38, 1-based): chr6:64,912,735, C>T on the plus strand (G>A on the coding strand, the complement: EYS is on the minus strand). VCF-style: chr6-64912735-C-T. GRCh37 (hg19) VCF-style: chr6-65622628-C-T.
Other names: c.2390G>A, p.Cys797Tyr (NM_001292009.2); short protein forms C797Y.
Identifiers: ClinVar variation 2739713 (VCV002739713.3), dbSNP rs2533384391, ClinGen allele CA364786634.

ClinVar aggregate classification (germline): Uncertain significance (1 of 4 stars; one submission).

Submission:

Labcorp Genetics (formerly Invitae), Labcorp
Classification: Uncertain significance. Last evaluated: 2023-07-09. Review status: criteria provided, single submitter. Criteria: Invitae Variant Classification Sherloc (09022015). Collection method: clinical testing. Allele origin: germline.
Comment: In summary, the available evidence is currently insufficient to determine the role of this variant in disease. Therefore, it has been classified as a Variant of Uncertain Significance. Advanced modeling of protein sequence and biophysical properties (such as structural, functional, and spatial information, amino acid conservation, physicochemical variation, residue mobility, and thermodynamic stability) has been performed at Invitae for this missense variant, however the output from this modeling did not meet the statistical confidence thresholds required to predict the impact of this variant on EYS protein function. This variant has not been reported in the literature in individuals affected with EYS-related conditions. This variant is not present in population databases (gnomAD no frequency). This sequence change replaces cysteine, which is neutral and slightly polar, with tyrosine, which is neutral and polar, at codon 797 of the EYS protein (p.Cys797Tyr).